The following is an entry in ClinVar:

NM_001458.5(FLNC):c.7596T>C (p.Asn2532=)

Genes: FLNC (filamin C; plus strand), FLNC-AS1 (FLNC antisense RNA 1; minus strand). Cytogenetic location: 7q32.1.
Variant type: single nucleotide variant.
Coding change: c.7596T>C on transcript NM_001458.5 (MANE Select); coding-DNA position 7596, T replaced by C.
Protein change: p.Asn2532=; no amino-acid change (asparagine 2532 retained).
Molecular consequence: synonymous variant.
Genome position (GRCh38, 1-based): chr7:128,857,152, T>C. VCF-style: chr7-128857152-T-C. GRCh37 (hg19) VCF-style: chr7-128497206-T-C.
Other names: p.Asn2532=; c.7497T>C, p.Asn2499= (NM_001127487.2).
Identifiers: ClinVar variation 1092039 (VCV001092039.11), dbSNP rs377522797, ClinGen allele CA4476319.
Genomic context (GRCh38, chr7:128,857,152, plus strand): 5'-TCAGCCTTGCTACCTCTGGCCCCCAGGTGTGTCATCAGAGTTCATCGTGAACACCCTGAA[T>C]GCCGGCTCGGGGGCCTTGTCTGTCACCATTGATGGCCCCTCCAAGGTGCAGCTGGACTGT-3'
Protein context (NP_001449.3, residues 2522-2542): VSSEFIVNTL[Asn2532=]AGSGALSVTI

ClinVar aggregate classification (germline): Likely benign. Review status: criteria provided, multiple submitters, no conflicts (2 of 4 stars). 4 submissions from 4 submitters: Likely benign (4). Last evaluated 2026-01-17.

Conditions:
Cardiovascular phenotype. Identifiers: MedGen CN230736.
Distal myopathy with posterior leg and anterior hand involvement. Also called: WILLIAMS DISTAL MYOPATHY. Identifiers: Orphanet 63273, MedGen C3279722, MONDO:0013550, OMIM 614065.
Hypertrophic cardiomyopathy 26. Also called: Cardiomyopathy, familial hypertrophic, 26. Identifiers: Orphanet 75249, MedGen C4310749, MONDO:0014883, OMIM 617047.
Myofibrillar myopathy 5. Also called: Filaminopathy (type); FILAMINOPATHY, AUTOSOMAL DOMINANT. Identifiers: Orphanet 171445, MedGen C1836050, MONDO:0012289, OMIM 609524.

Allele frequency attached by ClinVar (database versions not stated): gnomAD exomes 0.00002; ExAC 0.00008; TOPMed 0.00012; gnomAD 0.00013 and 0.00014; ESP Exome Variant Server 0.00025.
gnomAD v4.1: 60 of 1,614,018 alleles (0.0037%); highest among the groups gnomAD compares: African/African-American, 0.035%; no homozygotes.

Submissions (4):

Labcorp Genetics (formerly Invitae), Labcorp
Classification: Likely benign for Distal myopathy with posterior leg and anterior hand involvement; Myofibrillar myopathy 5; Hypertrophic cardiomyopathy 26. Last evaluated: 2026-01-17. Review status: criteria provided, single submitter. Criteria: Invitae Variant Classification Sherloc (09022015). Collection method: clinical testing. Allele origin: germline.

Mayo Clinic Laboratories, Mayo Clinic
Classification: Likely benign. Last evaluated: 2025-09-17. Review status: criteria provided, single submitter. Criteria: ACMG Guidelines, 2015. Collection method: clinical testing. Allele origin: germline. Observed: 2 variant alleles.
Comment: BP4, BP7

Blueprint Genetics
Classification: Likely benign. Last evaluated: 2023-11-14. Review status: criteria provided, single submitter. Criteria: ACMG Guidelines, 2015. Collection method: clinical testing. Allele origin: germline.

Ambry Genetics
Classification: Likely benign for Cardiovascular phenotype. Last evaluated: 2019-01-07. Review status: criteria provided, single submitter. Criteria: Ambry Variant Classification Scheme 2023. Collection method: clinical testing. Allele origin: germline.